The following is an entry in ClinVar:

ClinVar aggregate classification (germline): Uncertain significance (1 of 4 stars; one submission).

Conditions:
MYO5B-related disorder. Also called: MYO5B-related condition.

gnomAD v4.1: 10 of 1,614,024 alleles (0.00062%); highest among the groups gnomAD compares: South Asian, 0.0011%; no homozygotes.

Submission:

PreventionGenetics, part of Exact Sciences
Classification: Uncertain significance for MYO5B-related condition. Last evaluated: 2025-02-12. Review status: criteria provided, single submitter. Criteria: ACMG Guidelines, 2015. Collection method: clinical testing. Allele origin: germline.
Comment: The MYO5B c.2869A>G variant is predicted to result in the amino acid substitution p.Met957Val. To our knowledge, this variant has not been reported in the literature. This variant is reported in 0.0033% of alleles in individuals of South Asian descent in gnomAD. At this time, the clinical significance of this variant is uncertain due to the absence of conclusive functional and genetic evidence.

NM_001080467.3(MYO5B):c.2869A>G (p.Met957Val)

Gene: MYO5B (myosin VB; minus strand). Cytogenetic location: 18q21.1.
Variant type: single nucleotide variant.
Coding change: c.2869A>G on transcript NM_001080467.3 (MANE Select); coding-DNA position 2869, A replaced by G.
Protein change: p.Met957Val; replaces methionine 957 with valine.
Molecular consequence: missense variant.
Genome position (GRCh38, 1-based): chr18:49,895,117, T>C on the plus strand (A>G on the coding strand, the complement: MYO5B is on the minus strand). VCF-style: chr18-49895117-T-C. GRCh37 (hg19) VCF-style: chr18-47421487-T-C.
Other names: short protein forms M957V.
Identifiers: ClinVar variation 4977132 (VCV004977132.1).
Genomic context (GRCh38, chr18:49,895,117, plus strand): 5'-TGTCCTCACCTGGGCTCTGCTGGTAGTGCACCAGCTCCTTCTTCAGCCGCTCTACCTCCA[T>C]GGTGTATGTTGAGGTGGTCACGGACAACTGCTCTGAAAGTGTCTTGAACTCTTTGTTCTG-3'
Protein context (NP_001073936.1, residues 947-967): QLSVTTSTYT[Met957Val]EVERLKKELV